The following is an entry in ClinVar:

NM_004006.3(DMD):c.9690C>G (p.Asp3230Glu)

Gene: DMD (dystrophin; minus strand). Cytogenetic location: Xp21.2.
Variant type: single nucleotide variant.
Coding change: c.9690C>G on transcript NM_004006.3 (MANE Select); coding-DNA position 9690, C replaced by G.
Protein change: p.Asp3230Glu; replaces aspartic acid 3230 with glutamic acid.
Molecular consequence: missense variant.
Genome position (GRCh38, 1-based): chrX:31,204,078, G>C on the plus strand (C>G on the coding strand, the complement: DMD is on the minus strand). VCF-style: chrX-31204078-G-C. GRCh37 (hg19) VCF-style: chrX-31222195-G-C.
Other names: c.9666C>G, p.Asp3222Glu (NM_000109.4); c.9678C>G, p.Asp3226Glu (NM_004009.3); c.9321C>G, p.Asp3107Glu (NM_004010.3); c.5667C>G, p.Asp1889Glu (NM_004011.4); c.5658C>G, p.Asp1886Glu (NM_004012.4); c.2310C>G, p.Asp770Glu (NM_004013.3, NM_004020.4, NM_004021.3 and 2 more transcripts); c.1503C>G, p.Asp501Glu (NM_004014.3); c.486C>G, p.Asp162Glu (NM_004015.3, NM_004016.3, NM_004017.3 and 2 more transcripts); short protein forms D162E, D1886E, D1889E, D3107E, D3222E, D3226E, D3230E, D501E.
Identifiers: ClinVar variation 5019832 (VCV005019832.2).

ClinVar aggregate classification (germline): Uncertain significance (1 of 4 stars; one submission).

Conditions:
Becker muscular dystrophy (BMD). Also called: Becker Muscular Dystrophy (BMD); MUSCULAR DYSTROPHY, PSEUDOHYPERTROPHIC PROGRESSIVE, BECKER TYPE. Identifiers: Orphanet 98895, MedGen C0917713, MONDO:0010311, OMIM 300376.
Duchenne muscular dystrophy (DMD). Also called: Duchenne Muscular Dystrophy (DMD); MUSCULAR DYSTROPHY, PSEUDOHYPERTROPHIC PROGRESSIVE, DUCHENNE TYPE. Identifiers: Orphanet 98896, MedGen C0013264, MONDO:0010679, OMIM 310200.
Dilated cardiomyopathy 3B (CMD3B). Also called: CMD3B: DMD-Related Dilated Cardiomyopathy; CARDIOMYOPATHY, DILATED, X-LINKED; DMD-Associated Dilated Cardiomyopathy. Identifiers: Orphanet 154, MedGen C3668940, MONDO:0010542, OMIM 302045.

Submission:

Juno Genomics, Hangzhou Juno Genomics, Inc
Classification: Uncertain significance for Becker muscular dystrophy; Dilated cardiomyopathy 3B; Duchenne muscular dystrophy. Review status: criteria provided, single submitter. Criteria: ACMG Guidelines, 2015. Collection method: clinical testing. Allele origin: germline.
Comment: Absent from controls (or at extremely low frequency if recessive) in Genome Aggregation Database.;Multiple lines of computational evidence support a deleterious effect on the gene or gene product.